The following is an entry in ClinVar:

NM_000286.3(PEX12):c.*297T>C

Gene: PEX12 (peroxisomal biogenesis factor 12; minus strand). Cytogenetic location: 17q12.
Variant type: single nucleotide variant.
Coding change: c.*297T>C on transcript NM_000286.3 (MANE Select); 297 bases downstream of the stop codon, T replaced by C.
Molecular consequence: 3 prime UTR variant.
Genome position (GRCh38, 1-based): chr17:35,575,485, A>G on the plus strand (T>C on the coding strand, the complement: PEX12 is on the minus strand). VCF-style: chr17-35575485-A-G. GRCh37 (hg19) VCF-style: chr17-33902504-A-G.
Identifiers: ClinVar variation 322650 (VCV000322650.5), dbSNP rs113891712, ClinGen allele CA10645422.

ClinVar aggregate classification (germline): Benign (1 of 4 stars; one submission).

Conditions:
Peroxisome biogenesis disorder 3A (Zellweger). Also called: PEROXISOMAL BIOGENESIS DISORDER 3A (ZELLWEGER); Peroxisome biogenesis disorder 3A. Identifiers: Orphanet 912, MedGen C3553929, MONDO:0013927, OMIM 614859.

Allele frequency attached by ClinVar (database versions not stated): gnomAD exomes 0.00207; gnomAD 0.01399 and 0.01526; 1000 Genomes Project 30x 0.01452; 1000 Genomes Project 0.01458; TOPMed 0.01578.
gnomAD v4.1: 2,533 of 344,536 alleles (0.74%); highest among the groups gnomAD compares: African/African-American, 4.8%; 49 homozygotes.

Submission:

Illumina Laboratory Services, Illumina
Classification: Benign for Peroxisome biogenesis disorder 3A (Zellweger). Last evaluated: 2018-01-12. Review status: criteria provided, single submitter. Criteria: ICSL Variant Classification Criteria 13 December 2019. Collection method: clinical testing. Allele origin: germline.
Comment: This variant was observed in the ICSL laboratory as part of a predisposition screen in an ostensibly healthy population. It had not been previously curated by ICSL or reported in the Human Gene Mutation Database (HGMD: prior to June 1st, 2018), and was therefore a candidate for classification through an automated scoring system. Utilizing variant allele frequency, disease prevalence and penetrance estimates, and inheritance mode, an automated score was calculated to assess if this variant is too frequent to cause the disease. Based on the score and internal cut-off values, a variant classified as benign is not then subjected to further curation. The score for this variant resulted in a classification of benign for this disease.